The following is an entry in ClinVar:

ClinVar aggregate classification (germline): Uncertain significance (1 of 4 stars; one submission).

Conditions:
Primary ciliary dyskinesia. Also called: Ciliary dyskinesia. Identifiers: Orphanet 244, MedGen C0008780, MONDO:0016575, HP:0012265.

Submission:

Labcorp Genetics (formerly Invitae), Labcorp
Classification: Uncertain significance for Primary ciliary dyskinesia. Last evaluated: 2018-08-17. Review status: criteria provided, single submitter. Criteria: Invitae Variant Classification Sherloc (09022015). Collection method: clinical testing. Allele origin: germline.
Comment: This sequence change replaces glutamic acid with glycine at codon 79 of the ZMYND10 protein (p.Glu79Gly). The glutamic acid residue is highly conserved and there is a moderate physicochemical difference between glutamic acid and glycine. This variant is not present in population databases (ExAC no frequency). This variant has not been reported in the literature in individuals with ZMYND10-related disease. Algorithms developed to predict the effect of missense changes on protein structure and function are either unavailable or do not agree on the potential impact of this missense change (SIFT: "Deleterious"; PolyPhen-2: "Possibly Damaging"; Align-GVGD: "Class C0"). In summary, the available evidence is currently insufficient to determine the role of this variant in disease. Therefore, it has been classified as a Variant of Uncertain Significance.

NM_015896.4(ZMYND10):c.236A>G (p.Glu79Gly)

Gene: ZMYND10 (zinc finger MYND-type containing 10; minus strand). Cytogenetic location: 3p21.31.
Variant type: single nucleotide variant.
Coding change: c.236A>G on transcript NM_015896.4 (MANE Select); coding-DNA position 236, A replaced by G.
Protein change: p.Glu79Gly; replaces glutamic acid 79 with glycine.
Molecular consequence: missense variant.
Genome position (GRCh38, 1-based): chr3:50,343,816, T>C on the plus strand (A>G on the coding strand, the complement: ZMYND10 is on the minus strand). VCF-style: chr3-50343816-T-C. GRCh37 (hg19) VCF-style: chr3-50381247-T-C.
Other names: c.236A>G, p.Glu79Gly (NM_001308379.2); short protein forms E79G.
Identifiers: ClinVar variation 658576 (VCV000658576.6), dbSNP rs1438398042, ClinGen allele CA352944487.